The following is an entry in ClinVar:

ClinVar aggregate classification (germline): Uncertain significance. Review status: criteria provided, multiple submitters, no conflicts (2 of 4 stars). 2 submissions from 2 submitters: Uncertain significance (2). Last evaluated 2025-06-03.

Conditions:
Inborn genetic diseases. Identifiers: MedGen C0950123, MeSH D030342.
Imerslund-Grasbeck syndrome. Also called: PERNICIOUS ANEMIA, JUVENILE, DUE TO SELECTIVE INTESTINAL MALABSORPTION OF VITAMIN B12, WITH PROTEINURIA; Megaloblastic anemia due to inborn errors of metabolism; ENTEROCYTE COBALAMIN MALABSORPTION; ENTEROCYTE INTRINSIC FACTOR RECEPTOR, DEFECT OF; Imerslund-Gräsbeck syndrome. Identifiers: Orphanet 35858, MedGen C4551825, MONDO:0009853.

Allele frequency attached by ClinVar (database versions not stated): TOPMed below 0.00001.
gnomAD v4.1: 3 of 1,614,052 alleles (0.00019%); highest among the groups gnomAD compares: Non-Finnish European, 0.00025%; no homozygotes.

Submissions (2):

Ambry Genetics
Classification: Uncertain significance for Inborn genetic diseases. Last evaluated: 2025-06-03. Review status: criteria provided, single submitter. Criteria: Ambry Variant Classification Scheme 2023. Collection method: clinical testing. Allele origin: germline.

Labcorp Genetics (formerly Invitae), Labcorp
Classification: Uncertain significance for Imerslund-Grasbeck syndrome. Last evaluated: 2022-05-15. Review status: criteria provided, single submitter. Criteria: Invitae Variant Classification Sherloc (09022015). Collection method: clinical testing. Allele origin: germline.
Comment: In summary, the available evidence is currently insufficient to determine the role of this variant in disease. Therefore, it has been classified as a Variant of Uncertain Significance. This sequence change replaces alanine, which is neutral and non-polar, with glutamic acid, which is acidic and polar, at codon 1501 of the CUBN protein (p.Ala1501Glu). This variant is present in population databases (no rsID available, gnomAD 0.0009%). This variant has not been reported in the literature in individuals affected with CUBN-related conditions. Algorithms developed to predict the effect of missense changes on protein structure and function are either unavailable or do not agree on the potential impact of this missense change (SIFT: "Deleterious"; PolyPhen-2: "Probably Damaging"; Align-GVGD: "Class C15").

NM_001081.4(CUBN):c.4502C>A (p.Ala1501Glu)

Gene: CUBN (cubilin; minus strand). Cytogenetic location: 10p13.
Variant type: single nucleotide variant.
Coding change: c.4502C>A on transcript NM_001081.4 (MANE Select); coding-DNA position 4502, C replaced by A.
Protein change: p.Ala1501Glu; replaces alanine 1501 with glutamic acid.
Molecular consequence: missense variant.
Genome position (GRCh38, 1-based): chr10:16,984,128, G>T on the plus strand (C>A on the coding strand, the complement: CUBN is on the minus strand). VCF-style: chr10-16984128-G-T. GRCh37 (hg19) VCF-style: chr10-17026127-G-T.
Other names: short protein forms A1501E.
Identifiers: ClinVar variation 2046655 (VCV002046655.5), dbSNP rs201587209, ClinGen allele CA376143913.